The following is an entry in ClinVar:

NM_022765.4(MICAL1):c.2089T>A (p.Cys697Ser)

Gene: MICAL1 (microtubule associated monooxygenase, calponin and LIM domain containing 1; minus strand). Cytogenetic location: 6q21.
Variant type: single nucleotide variant.
Coding change: c.2089T>A on transcript NM_022765.4 (MANE Select); coding-DNA position 2089, T replaced by A.
Protein change: p.Cys697Ser; replaces cysteine 697 with serine.
Molecular consequence: missense variant.
Genome position (GRCh38, 1-based): chr6:109,447,211, A>T on the plus strand (T>A on the coding strand, the complement: MICAL1 is on the minus strand). VCF-style: chr6-109447211-A-T. GRCh37 (hg19) VCF-style: chr6-109768414-A-T.
Other names: c.1831T>A, p.Cys611Ser (NM_001159291.2); c.2146T>A, p.Cys716Ser (NM_001286613.2); short protein forms C697S, C716S, C611S.
Identifiers: ClinVar variation 2021795 (VCV002021795.4), dbSNP rs1046137487, ClinGen allele CA365225803.

ClinVar aggregate classification (germline): Uncertain significance (1 of 4 stars; one submission).

gnomAD v4.1: 2 of 1,614,074 alleles (0.00012%); highest among the groups gnomAD compares: Non-Finnish European, 0.00017%; no homozygotes.

Submission:

Labcorp Genetics (formerly Invitae), Labcorp
Classification: Uncertain significance. Last evaluated: 2025-02-24. Review status: criteria provided, single submitter. Criteria: Invitae Variant Classification Sherloc (09022015). Collection method: clinical testing. Allele origin: germline.
Comment: This sequence change replaces cysteine, which is neutral and slightly polar, with serine, which is neutral and polar, at codon 716 of the MICAL1 protein (p.Cys716Ser). This variant is not present in population databases (gnomAD no frequency). This variant has not been reported in the literature in individuals affected with MICAL1-related conditions. ClinVar contains an entry for this variant (Variation ID: 2021795). An algorithm developed to predict the effect of missense changes on protein structure and function (PolyPhen-2) suggests that this variant is likely to be disruptive. In summary, the available evidence is currently insufficient to determine the role of this variant in disease. Therefore, it has been classified as a Variant of Uncertain Significance.